The following is an entry in ClinVar:

ClinVar aggregate classification (germline): Likely benign (0 of 4 stars; one submission).

Conditions:
MYLK2-related disorder. Also called: MYLK2-related condition.

Submission:

PreventionGenetics, part of Exact Sciences
Classification: Likely benign for MYLK2-related condition. Last evaluated: 2020-11-18. Review status: no assertion criteria provided. Collection method: clinical testing. Allele origin: germline.
Comment: This variant is classified as likely benign based on ACMG/AMP sequence variant interpretation guidelines (Richards et al. 2015 PMID: 25741868, with internal and published modifications).

NM_033118.4(MYLK2):c.927C>A (p.Leu309=)

Gene: MYLK2 (myosin light chain kinase 2; plus strand). Cytogenetic location: 20q11.21.
Variant type: single nucleotide variant.
Coding change: c.927C>A on transcript NM_033118.4 (MANE Select); coding-DNA position 927, C replaced by A.
Protein change: p.Leu309=; no amino-acid change (leucine 309 retained).
Molecular consequence: synonymous variant.
Genome position (GRCh38, 1-based): chr20:31,824,307, C>A. VCF-style: chr20-31824307-C-A. GRCh37 (hg19) VCF-style: chr20-30412110-C-A.
Identifiers: ClinVar variation 3031217 (VCV003031217.2), dbSNP rs764465707, ClinGen allele CA510176416.